The following is an entry in ClinVar:

ClinVar aggregate classification (germline): Uncertain significance. Review status: criteria provided, multiple submitters, no conflicts (2 of 4 stars). 2 submissions from 2 submitters: Uncertain significance (2). Last evaluated 2025-09-19.

Conditions:
SALL4-Related Disorders. Also called: SALL4-related condition; SALL4-related disorder. Identifiers: MedGen CN381056.

gnomAD v4.1: 3 of 1,614,028 alleles (0.00019%); highest among the groups gnomAD compares: Middle Eastern, 0.016%; no homozygotes.

Submissions (2):

PreventionGenetics, part of Exact Sciences
Classification: Uncertain significance for SALL4-related condition. Last evaluated: 2025-09-19. Review status: criteria provided, single submitter. Criteria: ACMG Guidelines, 2015. Collection method: clinical testing. Allele origin: germline.
Comment: The SALL4 c.1414T>A variant is predicted to result in the amino acid substitution p.Leu472Ile. To our knowledge, this variant has not been reported in the literature or in a large population database (gnomAD), indicating this variant is rare. At this time, the clinical significance of this variant is uncertain due to the absence of conclusive functional and genetic evidence.

Blueprint Genetics
Classification: Uncertain significance. Last evaluated: 2018-09-05. Review status: criteria provided, single submitter. Criteria: ACMG Guidelines, 2015. Collection method: clinical testing. Allele origin: germline.

NM_020436.5(SALL4):c.1414T>A (p.Leu472Ile)

Gene: SALL4 (spalt like transcription factor 4; minus strand). Cytogenetic location: 20q13.2.
Variant type: single nucleotide variant.
Coding change: c.1414T>A on transcript NM_020436.5 (MANE Select); coding-DNA position 1414, T replaced by A.
Protein change: p.Leu472Ile; replaces leucine 472 with isoleucine.
Molecular consequence: missense variant. On other transcripts: intron variant (1).
Genome position (GRCh38, 1-based): chr20:51,791,069, A>T on the plus strand (T>A on the coding strand, the complement: SALL4 is on the minus strand). VCF-style: chr20-51791069-A-T. GRCh37 (hg19) VCF-style: chr20-50407608-A-T.
Other names: c.1414T>A (NM_020436.4); c.1150+264T>A (NM_001318031.2); short protein forms L472I.
Identifiers: ClinVar variation 4945384 (VCV004945384.2).